The following is an entry in ClinVar:

ClinVar aggregate classification (germline): Uncertain significance. Review status: criteria provided, multiple submitters, no conflicts (2 of 4 stars). 4 submissions from 4 submitters: Uncertain significance (4). Last evaluated 2025-12-29.

Conditions:
Inborn genetic diseases. Identifiers: MedGen C0950123, MeSH D030342.

gnomAD v4.1: 7 of 1,430,774 alleles (0.00049%); highest among the groups gnomAD compares: Non-Finnish European, 0.00064%; no homozygotes.

Submissions (4):

Labcorp Genetics (formerly Invitae), Labcorp
Classification: Uncertain significance. Last evaluated: 2025-12-29. Review status: criteria provided, single submitter. Criteria: Invitae Variant Classification Sherloc (09022015). Collection method: clinical testing. Allele origin: germline.
Comment: This sequence change replaces leucine, which is neutral and non-polar, with tryptophan, which is neutral and slightly polar, at codon 10 of the ABHD12 protein (p.Leu10Trp). This variant is not present in population databases (gnomAD no frequency). This variant has not been reported in the literature in individuals affected with ABHD12-related conditions. ClinVar contains an entry for this variant (Variation ID: 3317624). An algorithm developed to predict the effect of missense changes on protein structure and function (PolyPhen-2) suggests that this variant is likely to be disruptive. In summary, the available evidence is currently insufficient to determine the role of this variant in disease. Therefore, it has been classified as a Variant of Uncertain Significance.

Mayo Clinic Laboratories, Mayo Clinic
Classification: Uncertain significance. Last evaluated: 2025-09-06. Review status: criteria provided, single submitter. Criteria: ACMG Guidelines, 2015. Collection method: clinical testing. Allele origin: germline. Observed: 1 variant allele.
Comment: BP4_moderate, PM2_supporting

Ambry Genetics
Classification: Uncertain significance for Inborn genetic diseases. Last evaluated: 2024-03-15. Review status: criteria provided, single submitter. Criteria: Ambry Variant Classification Scheme 2023. Collection method: clinical testing. Allele origin: germline.

Blueprint Genetics
Classification: Uncertain significance. Last evaluated: 2023-04-06. Review status: criteria provided, single submitter. Criteria: ACMG Guidelines, 2015. Collection method: clinical testing. Allele origin: germline.

NM_001042472.3(ABHD12):c.29T>G (p.Leu10Trp)

Genes: ABHD12 (abhydrolase domain containing 12, lysophospholipase; minus strand), LOC130065586 (ATAC-STARR-seq lymphoblastoid silent region 12752; plus strand). Cytogenetic location: 20p11.21.
Variant type: single nucleotide variant.
Coding change: c.29T>G on transcript NM_001042472.3 (MANE Select); coding-DNA position 29, T replaced by G.
Protein change: p.Leu10Trp; replaces leucine 10 with tryptophan.
Molecular consequence: missense variant.
Genome position (GRCh38, 1-based): chr20:25,390,675, A>C on the plus strand (T>G on the coding strand, the complement: ABHD12 is on the minus strand). VCF-style: chr20-25390675-A-C. GRCh37 (hg19) VCF-style: chr20-25371311-A-C.
Other names: p.Leu10Trp; c.29T>G, p.Leu10Trp (NM_015600.5); short protein forms L10W.
Identifiers: ClinVar variation 3317624 (VCV003317624.4).